The following is an entry in ClinVar:

NM_000232.5(SGCB):c.621+3A>G

Gene: SGCB (sarcoglycan beta; minus strand). Cytogenetic location: 4q12.
Variant type: single nucleotide variant.
Coding change: c.621+3A>G on transcript NM_000232.5 (MANE Select); 3 bases into the intron after coding-DNA position 621, A replaced by G.
Molecular consequence: intron variant.
Genome position (GRCh38, 1-based): chr4:52,028,727, T>C on the plus strand (A>G on the coding strand, the complement: SGCB is on the minus strand). VCF-style: chr4-52028727-T-C. GRCh37 (hg19) VCF-style: chr4-52894893-T-C.
Identifiers: ClinVar variation 3775081 (VCV003775081.1).

ClinVar aggregate classification (germline): Uncertain significance (1 of 4 stars; one submission).

Conditions:
Autosomal recessive limb-girdle muscular dystrophy type 2E (LGMDR4). Also called: MUSCULAR DYSTROPHY, LIMB-GIRDLE, AUTOSOMAL RECESSIVE 4. Identifiers: Orphanet 119, MedGen C1858593, MONDO:0011423, OMIM 604286. Disease mechanism: Affects gamma-sarcoglycan and also disrupts the integrity of the entire sarcoglycan complex..

gnomAD v4.1: 3 of 1,598,928 alleles (0.00019%); highest among the groups gnomAD compares: Admixed American, 0.0017%; no homozygotes.

Submission:

Kasturba Medical College, Manipal, Kasturba Medical College, Manipal, Manipal Academy of Higher Education, Manipal, India
Classification: Uncertain significance for Autosomal recessive limb-girdle muscular dystrophy type 2E. Review status: criteria provided, single submitter. Criteria: ACMG Guidelines, 2015. Collection method: research. Allele origin: maternal. Inheritance: Autosomal recessive inheritance. Affected: yes. Observed: 1 heterozygote.
Comment: The variant is reported in the gnomAD v4.1.0 database in three heterozygous individuals and no homozygous individuals. It is absent from our in-house database of 3557 exomes. There are currently no submissions in ClinVar for this variant. Based on in-silico analysis tools, this splice site variant is predicted to cause aberrant splicing.